The following is an entry in ClinVar:

ClinVar aggregate classification (germline): Conflicting classifications of pathogenicity. Review status: criteria provided, conflicting classifications (1 of 4 stars). 6 submissions from 6 submitters: Uncertain significance (2); Likely benign (4). Last evaluated 2025-02-03.

Conditions:
Cystic fibrosis (CF). Also called: MUCOVISCIDOSIS. Identifiers: Orphanet 586, MedGen C0010674, MONDO:0009061, OMIM 219700. Disease mechanism: loss of function.

Allele frequency attached by ClinVar (database versions not stated): TOPMed 0.00002; gnomAD 0.00004.
gnomAD v4.1: 25 of 1,507,956 alleles (0.0017%); highest among the groups gnomAD compares: Admixed American, 0.019%; no homozygotes.

Submissions (6):

ARUP Laboratories, Molecular Genetics and Genomics, ARUP Laboratories
Classification: Likely benign. Last evaluated: 2025-02-03. Review status: criteria provided, single submitter. Criteria: ARUP Molecular Germline Variant Investigation Process 2024. Collection method: clinical testing. Allele origin: germline.

Women's Health and Genetics/Laboratory Corporation of America, LabCorp
Classification: Likely benign. Last evaluated: 2025-01-07. Review status: criteria provided, single submitter. Criteria: LabCorp Variant Classification Summary - May 2015. Collection method: clinical testing. Allele origin: germline.
Comment: Variant summary: CFTR c.2490+14G>T alters a non-conserved nucleotide located at a position not widely known to affect splicing. Consensus agreement among computation tools predict no significant impact on normal splicing (TrAP). However, these predictions have yet to be confirmed by functional studies. The variant allele was found at a frequency of 6.2e-05 in 178454 control chromosomes. This frequency is not significantly higher than estimated for a pathogenic variant in CFTR causing Cystic Fibrosis (6.2e-05 vs 0.013), allowing no conclusion about variant significance. This variant has been reported in a NBS study without information on carriers phenotype other than potentially high level of immunoreactive trypsinogen (IRT).These report(s) do not provide unequivocal conclusions about association of the variant with Cystic Fibrosis. To our knowledge, no experimental evidence demonstrating an impact on protein function has been reported. The following publication has been ascertained in the context of this evaluation (PMID: 23810505). ClinVar contains an entry for this variant (Variation ID: 439067). Based on the evidence outlined above, the variant was classified as likely benign.

Labcorp Genetics (formerly Invitae), Labcorp
Classification: Likely benign for Cystic fibrosis. Last evaluated: 2024-12-23. Review status: criteria provided, single submitter. Criteria: Invitae Variant Classification Sherloc (09022015). Collection method: clinical testing. Allele origin: germline.

Ambry Genetics
Classification: Likely benign for Cystic fibrosis. Last evaluated: 2022-11-10. Review status: criteria provided, single submitter. Criteria: Ambry Variant Classification Scheme 2023. Collection method: clinical testing. Allele origin: germline.

Genome-Nilou Lab
Classification: Uncertain significance for Cystic fibrosis. Last evaluated: 2021-07-22. Review status: criteria provided, single submitter. Criteria: ACMG Guidelines, 2015. Collection method: clinical testing. Allele origin: germline. Affected: no.

Quest Diagnostics Nichols Institute San Juan Capistrano
Classification: Uncertain significance. Last evaluated: 2016-11-23. Review status: criteria provided, single submitter. Criteria: Quest Diagnostics criteria. Collection method: clinical testing. Allele origin: germline.

Literature cited by the submitters: PubMed 23810505 (cited by 3 submitters).

NM_000492.4(CFTR):c.2490+14G>T

Gene: CFTR (CF transmembrane conductance regulator; plus strand). Cytogenetic location: 7q31.2.
Variant type: single nucleotide variant.
Coding change: c.2490+14G>T on transcript NM_000492.4 (MANE Select); 14 bases into the intron after coding-DNA position 2490, G replaced by T.
Molecular consequence: intron variant.
Genome position (GRCh38, 1-based): chr7:117,592,671, G>T. VCF-style: chr7-117592671-G-T. GRCh37 (hg19) VCF-style: chr7-117232725-G-T.
Identifiers: ClinVar variation 439067 (VCV000439067.22), dbSNP rs573016418, ClinGen allele CA4451194.